The following is an entry in ClinVar:

ClinVar aggregate classification (germline): Uncertain significance (1 of 4 stars; one submission).

Conditions:
Sialidosis type 2. Also called: NEURAMINIDASE DEFICIENCY; GLYCOPROTEIN NEURAMINIDASE DEFICIENCY; LIPOMUCOPOLYSACCHARIDOSIS; ML I; NEU DEFICIENCY; NEUG DEFICIENCY. Identifiers: Orphanet 812, Orphanet 87876, MedGen C4282398, MONDO:0009738, OMIM 256550.

gnomAD v4.1: 1 of 1,613,090 alleles (0.000062%); highest among the groups gnomAD compares: Non-Finnish European, 0.000085%; no homozygotes.

Submission:

Kasturba Medical College, Manipal, Kasturba Medical College, Manipal, Manipal Academy of Higher Education, Manipal, India
Classification: Uncertain significance for Sialidosis type 2. Last evaluated: 2025-06-07. Review status: criteria provided, single submitter. Criteria: ACMG Guidelines, 2015. Collection method: research. Allele origin: unknown. Inheritance: Autosomal recessive inheritance. Affected: yes. Observed: 1 variant allele, 1 heterozygote.
Comment: The variant is present in one individual in heterozygous state and absent in a homozygous state in gnomAD (v4.1.0) database. The variant is absent in homozygous and/or heterozygous state in our in-house database of 3650 exomes. In silico prediction tools (CADD_Phred, REVEL, MutationTaster) are consistent in predicting the variant to be damaging to the protein function. Splice AI tool has predicted this variant to also result in aberrant splicing which may lead to either the formation of a truncated protein product or the transcript to undergo nonsense mediated mRNA decay.

NM_000434.4(NEU1):c.287C>T (p.Ala96Val)

Gene: NEU1 (neuraminidase 1; minus strand). Cytogenetic location: 6p21.33.
Variant type: single nucleotide variant.
Coding change: c.287C>T on transcript NM_000434.4 (MANE Select); coding-DNA position 287, C replaced by T.
Protein change: p.Ala96Val; replaces alanine 96 with valine.
Molecular consequence: missense variant.
Genome position (GRCh38, 1-based): chr6:31,862,064, G>A on the plus strand (C>T on the coding strand, the complement: NEU1 is on the minus strand). VCF-style: chr6-31862064-G-A. GRCh37 (hg19) VCF-style: chr6-31829841-G-A.
Other names: short protein forms A96V.
Identifiers: ClinVar variation 4814178 (VCV004814178.1).